The following is an entry in ClinVar:

NM_001127208.3(TET2):c.3202C>A (p.Gln1068Lys)

Genes: TET2 (tet methylcytosine dioxygenase 2; plus strand), TET2-AS1 (TET2 antisense RNA 1; minus strand). Cytogenetic location: 4q24.
Variant type: single nucleotide variant.
Coding change: c.3202C>A on transcript NM_001127208.3 (MANE Select); coding-DNA position 3202, C replaced by A.
Protein change: p.Gln1068Lys; replaces glutamine 1068 with lysine.
Molecular consequence: missense variant.
Genome position (GRCh38, 1-based): chr4:105,237,144, C>A. VCF-style: chr4-105237144-C-A. GRCh37 (hg19) VCF-style: chr4-106158301-C-A.
Other names: c.3202C>A, p.Gln1068Lys (NM_017628.4); short protein forms Q1068K.
Identifiers: ClinVar variation 2959390 (VCV002959390.3), dbSNP rs1728991935, ClinGen allele CA357802500.

ClinVar aggregate classification (germline): Uncertain significance (1 of 4 stars; one submission).

Allele frequency attached by ClinVar (database versions not stated): TOPMed below 0.00001.

Submission:

Labcorp Genetics (formerly Invitae), Labcorp
Classification: Uncertain significance. Last evaluated: 2023-08-27. Review status: criteria provided, single submitter. Criteria: Invitae Variant Classification Sherloc (09022015). Collection method: clinical testing. Allele origin: germline.
Comment: This variant has not been reported in the literature in individuals affected with TET2-related conditions. In summary, the available evidence is currently insufficient to determine the role of this variant in disease. Therefore, it has been classified as a Variant of Uncertain Significance. An algorithm developed to predict the effect of missense changes on protein structure and function (PolyPhen-2) suggests that this variant is likely to be tolerated. This variant is not present in population databases (gnomAD no frequency). This sequence change replaces glutamine, which is neutral and polar, with lysine, which is basic and polar, at codon 1068 of the TET2 protein (p.Gln1068Lys).